The following is an entry in ClinVar:

ClinVar aggregate classification (germline): Uncertain significance. Review status: criteria provided, multiple submitters, no conflicts (2 of 4 stars). 2 submissions from 2 submitters: Uncertain significance (2). Last evaluated 2025-05-19.

Conditions:
Inborn genetic diseases. Identifiers: MedGen C0950123, MeSH D030342.
Kostmann syndrome (SCN3). Also called: Autosomal recessive severe congenital neutropenia type 3; KOSTMANN DISEASE. Identifiers: Orphanet 99749, MedGen C5235141, MONDO:0012548, OMIM 610738.

Submissions (2):

Ambry Genetics
Classification: Uncertain significance for Inborn genetic diseases. Last evaluated: 2025-05-19. Review status: criteria provided, single submitter. Criteria: Ambry Variant Classification Scheme 2023. Collection method: clinical testing. Allele origin: germline.
Comment: The p.S266F variant (also known as c.797C>T), located in coding exon 7 of the HAX1 gene, results from a C to T substitution at nucleotide position 797. The serine at codon 266 is replaced by phenylalanine, an amino acid with highly dissimilar properties. This amino acid position is conserved. In addition, the in silico prediction for this alteration is inconclusive. Based on the available evidence, the clinical significance of this variant remains unclear.

Labcorp Genetics (formerly Invitae), Labcorp
Classification: Uncertain significance for Kostmann syndrome. Last evaluated: 2021-09-02. Review status: criteria provided, single submitter. Criteria: Invitae Variant Classification Sherloc (09022015). Collection method: clinical testing. Allele origin: germline.
Comment: This sequence change replaces serine with phenylalanine at codon 266 of the HAX1 protein (p.Ser266Phe). The serine residue is highly conserved and there is a large physicochemical difference between serine and phenylalanine. This variant is not present in population databases (ExAC no frequency). This variant has not been reported in the literature in individuals affected with HAX1-related conditions. Algorithms developed to predict the effect of missense changes on protein structure and function are either unavailable or do not agree on the potential impact of this missense change (SIFT: "Deleterious"; PolyPhen-2: "Probably Damaging"; Align-GVGD: "Class C0"). In summary, the available evidence is currently insufficient to determine the role of this variant in disease. Therefore, it has been classified as a Variant of Uncertain Significance.

NM_006118.4(HAX1):c.797C>T (p.Ser266Phe)

Gene: HAX1 (HCLS1 associated protein X-1; plus strand). Cytogenetic location: 1q21.3.
Variant type: single nucleotide variant.
Coding change: c.797C>T on transcript NM_006118.4 (MANE Select); coding-DNA position 797, C replaced by T.
Protein change: p.Ser266Phe; replaces serine 266 with phenylalanine.
Molecular consequence: missense variant.
Genome position (GRCh38, 1-based): chr1:154,275,658, C>T. VCF-style: chr1-154275658-C-T. GRCh37 (hg19) VCF-style: chr1-154248134-C-T.
Other names: c.797C>T (NM_006118.3); c.653C>T, p.Ser218Phe (NM_001018837.2); short protein forms S218F, S266F.
Identifiers: ClinVar variation 1036077 (VCV001036077.3), dbSNP rs1684917433, ClinGen allele CA342594117.